The following is an entry in ClinVar:

NM_000127.3(EXT1):c.559G>A (p.Gly187Ser)

Gene: EXT1 (exostosin glycosyltransferase 1; minus strand). Cytogenetic location: 8q24.11.
Variant type: single nucleotide variant.
Coding change: c.559G>A on transcript NM_000127.3 (MANE Select); coding-DNA position 559, G replaced by A.
Protein change: p.Gly187Ser; replaces glycine 187 with serine.
Molecular consequence: missense variant.
Genome position (GRCh38, 1-based): chr8:118,110,488, C>T on the plus strand (G>A on the coding strand, the complement: EXT1 is on the minus strand). VCF-style: chr8-118110488-C-T. GRCh37 (hg19) VCF-style: chr8-119122727-C-T.
Other names: short protein forms G187S.
Identifiers: ClinVar variation 1926612 (VCV001926612.5), dbSNP rs2488051586, ClinGen allele CA371915574.

ClinVar aggregate classification (germline): Uncertain significance (1 of 4 stars; one submission).

Conditions:
Multiple congenital exostosis (EXT). Also called: Multiple osteochondromas; Hereditary multiple osteochondromas; Hereditary multiple exostoses; Hereditary multiple exostosis; MULTIPLE CARTILAGINOUS EXOSTOSES; Multiple exostoses. Identifiers: Orphanet 321, MedGen C0015306, MONDO:0005508, HP:0002762.

Submission:

Labcorp Genetics (formerly Invitae), Labcorp
Classification: Uncertain significance for Multiple congenital exostosis. Last evaluated: 2022-03-23. Review status: criteria provided, single submitter. Criteria: Invitae Variant Classification Sherloc (09022015). Collection method: clinical testing. Allele origin: germline.
Comment: In summary, the available evidence is currently insufficient to determine the role of this variant in disease. Therefore, it has been classified as a Variant of Uncertain Significance. Advanced modeling of protein sequence and biophysical properties (such as structural, functional, and spatial information, amino acid conservation, physicochemical variation, residue mobility, and thermodynamic stability) performed at Invitae indicates that this missense variant is expected to disrupt EXT1 protein function. This variant has not been reported in the literature in individuals affected with EXT1-related conditions. This variant is not present in population databases (gnomAD no frequency). This sequence change replaces glycine, which is neutral and non-polar, with serine, which is neutral and polar, at codon 187 of the EXT1 protein (p.Gly187Ser).